The following is an entry in ClinVar:

NM_000061.3(BTK):c.240G>A (p.Pro80=)

Gene: BTK (Bruton tyrosine kinase; minus strand). Cytogenetic location: Xq22.1.
Variant type: single nucleotide variant.
Coding change: c.240G>A on transcript NM_000061.3 (MANE Select); coding-DNA position 240, G replaced by A.
Protein change: p.Pro80=; no amino-acid change (proline 80 retained).
Molecular consequence: synonymous variant.
Genome position (GRCh38, 1-based): chrX:101,374,536, C>T on the plus strand (G>A on the coding strand, the complement: BTK is on the minus strand). VCF-style: chrX-101374536-C-T. GRCh37 (hg19) VCF-style: chrX-100629524-C-T.
Other names: c.342G>A, p.Pro114= (NM_001287344.2); c.240G>A, p.Pro80= (NM_001287345.2).
Identifiers: ClinVar variation 632730 (VCV000632730.12), dbSNP rs1569296295, ClinGen allele CA517535667.

ClinVar aggregate classification (germline): Pathogenic/Likely pathogenic. Review status: criteria provided, multiple submitters, no conflicts (2 of 4 stars). 5 submissions from 5 submitters: Pathogenic (1); Likely pathogenic (3). 1 of the submissions does not count toward it. Last evaluated 2025-05-05.

Conditions:
BTK-related disorder. Also called: BTK-related condition.
Inherited Immunodeficiency Diseases. Identifiers: MedGen C5197805, MeSH D000081207.
X-linked agammaglobulinemia with growth hormone deficiency (IGHD3). Also called: AGAMMAGLOBULINEMIA AND ISOLATED GROWTH HORMONE DEFICIENCY, X-LINKED; FLEISHER SYNDROME; HYPOGAMMAGLOBULINEMIA AND ISOLATED GROWTH HORMONE DEFICIENCY, X-LINKED; IGHD III; Isolated growth hormone deficiency type 3; Growth hormone deficiency with hypogammaglobulinemia. Identifiers: Orphanet 231692, Orphanet 631, MedGen C0472813, MONDO:0010615, OMIM 307200.
X-linked agammaglobulinemia (XLA). Also called: Bruton's agammaglobulinemia; Agammaglobulinemia, Bruton tyrosine kinase; Agammaglobulinemia, BTK; BTK-deficiency; IMMUNODEFICIENCY 1; AGAMMAGLOBULINEMIA, X-LINKED, TYPE 1. Identifiers: Orphanet 229717, Orphanet 47, MedGen C0221026, MONDO:0010421, OMIM 300755.

Submissions (7):

Labcorp Genetics (formerly Invitae), Labcorp
Classification: Pathogenic for X-linked agammaglobulinemia with growth hormone deficiency. Last evaluated: 2025-05-05. Review status: criteria provided, single submitter. Criteria: Invitae Variant Classification Sherloc (09022015). Collection method: clinical testing. Allele origin: germline.
Comment: This sequence change affects codon 80 of the BTK mRNA. It is a 'silent' change, meaning that it does not change the encoded amino acid sequence of the BTK protein. RNA analysis indicates that this variant induces altered splicing and may result in an absent or altered protein product. This variant is not present in population databases (gnomAD no frequency). This variant has been observed in individual(s) with late-onset X-linked agammaglobulinemia with mild clinical phenotype (PMID: 9545398, 12405164, 15661032) . It has also been observed to segregate with disease in related individuals. This variant is also known as 99G>A and 372G>A. ClinVar contains an entry for this variant (Variation ID: 632730). Variants that disrupt the consensus splice site are a relatively common cause of aberrant splicing (PMID: 17576681, 9536098). Studies have shown that this variant results in inclusion of 106 nt from intron 3, and produces a non-functional protein and/or introduces a premature termination codon (PMID: 12405164). For these reasons, this variant has been classified as Pathogenic.

Blueprint Genetics
Classification: Likely pathogenic for BTK-related disorders. Last evaluated: 2023-01-12. Review status: criteria provided, single submitter. Criteria: ACMG Guidelines, 2015. Collection method: clinical testing. Allele origin: germline. Affected: yes. Observed: 1 variant allele.

NIHR Bioresource Rare Diseases, University of Cambridge
Classification: Likely pathogenic for Inherited Immunodeficiency Diseases. Last evaluated: 2019-01-01. Review status: criteria provided, single submitter. Criteria: ACMG Guidelines, 2015. Collection method: research. Allele origin: germline. Affected: yes. Observed: 1 hemizygote.

Women's Health and Genetics/Laboratory Corporation of America, LabCorp
Classification: Likely pathogenic for X-linked agammaglobulinemia. Last evaluated: 2018-03-21. Review status: criteria provided, single submitter. Criteria: LabCorp Variant Classification Summary - May 2015. Collection method: clinical testing. Allele origin: germline.
Comment: Variant summary: BTK c.240G>A (p.Pro80Pro) alters a conserved nucleotide located close to a canonical splice site and therefore could affect mRNA splicing, leading to a significantly altered protein sequence. Several computational tools predict a significant impact on normal splicing: One predict the variant abolishes a 5' splicing donor site. Four predict the variant weakens a 5' donor site. An impact on splicing was confirmed by RT-PCR in patient cells which showed a mutant transcript that included 106 intronic nucleotides as the major transcript, whereas wild-type transcript levels were at <10% (Noordzij_2002). The variant was absent in 87702 control chromosomes. c.240G>A has been reported in the literature in individuals affected with X-linked Agammaglobulinemia, and in the uncle of a patient who appears to be unaffected or have mild disease (Conley_1998, Conley_2005, Noordzij_2002). These data indicate that the variant may be associated with disease. No clinical diagnostic laboratories have submitted clinical-significance assessments for this variant to ClinVar after 2014. Based on the evidence outlined above, the variant was classified as likely pathogenic.

Dr. Peter K. Rogan Lab, Western University
No classification provided (evidence only). Condition: Thyroid cancer, nonmedullary, 1. Review status: no classification provided. Collection method: in vitro. Allele origin: not applicable. Functional consequence: skipped exon. Not counted in ClinVar's aggregate classification.

Dr. Peter K. Rogan Lab, Western University
No classification provided (evidence only). Condition: Thyroid cancer, nonmedullary, 1. Review status: no classification provided. Collection method: in vitro. Allele origin: not applicable. Functional consequence: retained intron. Not counted in ClinVar's aggregate classification.

Molecular Diagnostic Laboratory, Beijing Chigene Translational Medicine Research Center
Classification: Likely pathogenic for X-linked agammaglobulinemia. Review status: no assertion criteria provided. Collection method: clinical testing. Allele origin: maternal. Inheritance: X-linked dominant inheritance. Affected: yes. Observed: 1 hemizygote. Not counted in ClinVar's aggregate classification.

Literature cited by the submitters: PubMed 9545398 (cited by Labcorp Genetics (formerly Invitae), Labcorp and Women's Health and Genetics/Laboratory Corporation of America, LabCorp); PubMed 12405164 (cited by Labcorp Genetics (formerly Invitae), Labcorp and Women's Health and Genetics/Laboratory Corporation of America, LabCorp); PubMed 15661032 (cited by Labcorp Genetics (formerly Invitae), Labcorp and Women's Health and Genetics/Laboratory Corporation of America, LabCorp); PubMed 17576681 (cited by Labcorp Genetics (formerly Invitae), Labcorp); PubMed 9536098 (cited by Labcorp Genetics (formerly Invitae), Labcorp); PubMed 11809909 (cited by Women's Health and Genetics/Laboratory Corporation of America, LabCorp).